The following is an entry in ClinVar:

ClinVar aggregate classification (germline): Uncertain significance (1 of 4 stars; one submission).

Allele frequency attached by ClinVar (database versions not stated): gnomAD exomes below 0.00001; TOPMed below 0.00001; gnomAD 0.00001.

Submission:

Labcorp Genetics (formerly Invitae), Labcorp
Classification: Uncertain significance. Last evaluated: 2021-07-16. Review status: criteria provided, single submitter. Criteria: Invitae Variant Classification Sherloc (09022015). Collection method: clinical testing. Allele origin: germline.
Comment: Algorithms developed to predict the effect of missense changes on protein structure and function are either unavailable or do not agree on the potential impact of this missense change (SIFT: "Deleterious"; PolyPhen-2: "Probably Damaging"; Align-GVGD: "Class C0"). In summary, the available evidence is currently insufficient to determine the role of this variant in disease. Therefore, it has been classified as a Variant of Uncertain Significance. This variant has not been reported in the literature in individuals affected with SLC34A3-related conditions. This sequence change replaces leucine with phenylalanine at codon 239 of the SLC34A3 protein (p.Leu239Phe). The leucine residue is highly conserved and there is a small physicochemical difference between leucine and phenylalanine. This variant is not present in population databases (ExAC no frequency).

NM_001177316.2(SLC34A3):c.715C>T (p.Leu239Phe)

Gene: SLC34A3 (solute carrier family 34 member 3; plus strand). Cytogenetic location: 9q34.3.
Variant type: single nucleotide variant.
Coding change: c.715C>T on transcript NM_001177316.2 (MANE Select); coding-DNA position 715, C replaced by T.
Protein change: p.Leu239Phe; replaces leucine 239 with phenylalanine.
Molecular consequence: missense variant.
Genome position (GRCh38, 1-based): chr9:137,233,363, C>T. VCF-style: chr9-137233363-C-T. GRCh37 (hg19) VCF-style: chr9-140127815-C-T.
Other names: c.715C>T, p.Leu239Phe (NM_001177317.2, NM_080877.3); short protein forms L239F.
Identifiers: ClinVar variation 1505653 (VCV001505653.8), dbSNP rs1251730119, ClinGen allele CA375731774.